The following is an entry in ClinVar:

ClinVar aggregate classification (germline): Uncertain significance (1 of 4 stars; one submission).

Conditions:
Left ventricular noncompaction 8 (LVNC8). Identifiers: Orphanet 154, Orphanet 54260, MedGen C3809288, MONDO:0014152, OMIM 615373.

Allele frequency attached by ClinVar (database versions not stated): gnomAD 0.00001; TOPMed 0.00001; ExAC 0.00002.
gnomAD v4.1: 24 of 1,613,450 alleles (0.0015%); highest among the groups gnomAD compares: South Asian, 0.0055%; no homozygotes.

Submission:

Labcorp Genetics (formerly Invitae), Labcorp
Classification: Uncertain significance for Left ventricular noncompaction 8. Last evaluated: 2025-07-07. Review status: criteria provided, single submitter. Criteria: Invitae Variant Classification Sherloc (09022015). Collection method: clinical testing. Allele origin: germline.
Comment: This sequence change replaces valine, which is neutral and non-polar, with isoleucine, which is neutral and non-polar, at codon 607 of the PRDM16 protein (p.Val607Ile). This variant is present in population databases (rs773704725, gnomAD 0.007%). This variant has not been reported in the literature in individuals affected with PRDM16-related conditions. ClinVar contains an entry for this variant (Variation ID: 2149676). An algorithm developed to predict the effect of missense changes on protein structure and function outputs the following: PolyPhen-2: "Benign". The isoleucine amino acid residue is found in multiple mammalian species, which suggests that this missense change does not adversely affect protein function. In summary, the available evidence is currently insufficient to determine the role of this variant in disease. Therefore, it has been classified as a Variant of Uncertain Significance.

NM_022114.4(PRDM16):c.1819G>A (p.Val607Ile)

Gene: PRDM16 (PR/SET domain 16; plus strand). Cytogenetic location: 1p36.32.
Variant type: single nucleotide variant.
Coding change: c.1819G>A on transcript NM_022114.4 (MANE Select); coding-DNA position 1819, G replaced by A.
Protein change: p.Val607Ile; replaces valine 607 with isoleucine.
Molecular consequence: missense variant.
Genome position (GRCh38, 1-based): chr1:3,412,016, G>A. VCF-style: chr1-3412016-G-A. GRCh37 (hg19) VCF-style: chr1-3328580-G-A.
Other names: c.1819G>A, p.Val607Ile (NM_199454.3); short protein forms V607I.
Identifiers: ClinVar variation 2149676 (VCV002149676.4), dbSNP rs773704725, ClinGen allele CA544298.